The following is an entry in ClinVar:

NM_001243133.2(NLRP3):c.865G>T (p.Val289Leu)

Gene: NLRP3 (NLR family pyrin domain containing 3; plus strand). Cytogenetic location: 1q44.
Variant type: single nucleotide variant.
Coding change: c.865G>T on transcript NM_001243133.2 (MANE Select); coding-DNA position 865, G replaced by T.
Protein change: p.Val289Leu; replaces valine 289 with leucine.
Molecular consequence: missense variant.
Genome position (GRCh38, 1-based): chr1:247,424,314, G>T. VCF-style: chr1-247424314-G-T. GRCh37 (hg19) VCF-style: chr1-247587616-G-T.
Other names: c.865G>T, p.Val289Leu (NM_001079821.3, NM_001127461.3, NM_001127462.3 and 1 more transcripts); c.871G>T, p.Val291Leu (NM_004895.5); short protein forms V291L, V289L.
Identifiers: ClinVar variation 2845421 (VCV002845421.3), dbSNP rs145092553, ClinGen allele CA345555601.

ClinVar aggregate classification (germline): Uncertain significance (1 of 4 stars; one submission).

Conditions:
Cryopyrin associated periodic syndrome (CAPS). Identifiers: Orphanet 208650, MedGen C2316212, MONDO:0016168.

Submission:

Labcorp Genetics (formerly Invitae), Labcorp
Classification: Uncertain significance for Cryopyrin associated periodic syndrome. Last evaluated: 2023-04-07. Review status: criteria provided, single submitter. Criteria: Invitae Variant Classification Sherloc (09022015). Collection method: clinical testing. Allele origin: germline.
Comment: This sequence change replaces valine, which is neutral and non-polar, with leucine, which is neutral and non-polar, at codon 291 of the NLRP3 protein (p.Val291Leu). In summary, the available evidence is currently insufficient to determine the role of this variant in disease. Therefore, it has been classified as a Variant of Uncertain Significance. Advanced modeling of protein sequence and biophysical properties (such as structural, functional, and spatial information, amino acid conservation, physicochemical variation, residue mobility, and thermodynamic stability) performed at Invitae indicates that this missense variant is not expected to disrupt NLRP3 protein function. This variant has not been reported in the literature in individuals affected with NLRP3-related conditions. This variant is not present in population databases (gnomAD no frequency).